The following is an entry in ClinVar:

ClinVar aggregate classification (germline): Uncertain significance. Review status: criteria provided, multiple submitters, no conflicts (2 of 4 stars). 3 submissions from 3 submitters: Uncertain significance (3). Last evaluated 2025-02-09.

Conditions:
RPGRIP1L-related disorder. Also called: RPGRIP1L-related disorders; RPGRIP1L-related condition. Identifiers: MedGen CN239416.
Joubert syndrome. Also called: Familial aplasia of the vermis; JOUBERT-BOLTSHAUSER SYNDROME. Identifiers: Orphanet 475, MedGen C5979921, MONDO:0018772.
Meckel-Gruber syndrome. Also called: Dysencephalia splachnocystica; DYSENCEPHALIA SPLANCHNOCYSTICA; GRUBER SYNDROME. Identifiers: Orphanet 564, MedGen C0265215, MONDO:0018921.

Allele frequency attached by ClinVar (database versions not stated): gnomAD exomes below 0.00001; ExAC 0.00003.
gnomAD v4.1: 5 of 1,614,016 alleles (0.00031%); highest among the groups gnomAD compares: East Asian, 0.0022%; no homozygotes.

Submissions (3):

PreventionGenetics, part of Exact Sciences
Classification: Uncertain significance for RPGRIP1L-related condition. Last evaluated: 2025-02-09. Review status: criteria provided, single submitter. Criteria: ACMG Guidelines, 2015. Collection method: clinical testing. Allele origin: germline.
Comment: The RPGRIP1L c.3889G>A variant is predicted to result in the amino acid substitution p.Glu1297Lys. To our knowledge, this variant has not been reported in the literature. This variant is reported in 0.011% of alleles in individuals of East Asian descent in gnomAD. At this time, the clinical significance of this variant is uncertain due to the absence of conclusive functional and genetic evidence.

GeneDx
Classification: Uncertain significance. Last evaluated: 2024-07-02. Review status: criteria provided, single submitter. Criteria: GeneDx Variant Classification Process June 2021. Collection method: clinical testing. Allele origin: germline. Affected: yes.
Comment: Not observed at significant frequency in large population cohorts (gnomAD); In silico analysis indicates that this missense variant does not alter protein structure/function; Has not been previously published as pathogenic or benign to our knowledge

Labcorp Genetics (formerly Invitae), Labcorp
Classification: Uncertain significance for Joubert syndrome; Meckel-Gruber syndrome. Last evaluated: 2024-02-24. Review status: criteria provided, single submitter. Criteria: Invitae Variant Classification Sherloc (09022015). Collection method: clinical testing. Allele origin: germline.
Comment: This sequence change replaces glutamic acid, which is acidic and polar, with lysine, which is basic and polar, at codon 1297 of the RPGRIP1L protein (p.Glu1297Lys). This variant is present in population databases (rs777088047, gnomAD 0.006%). This variant has not been reported in the literature in individuals affected with RPGRIP1L-related conditions. ClinVar contains an entry for this variant (Variation ID: 2049621). Advanced modeling of protein sequence and biophysical properties (such as structural, functional, and spatial information, amino acid conservation, physicochemical variation, residue mobility, and thermodynamic stability) performed at Invitae indicates that this missense variant is not expected to disrupt RPGRIP1L protein function with a negative predictive value of 80%. In summary, the available evidence is currently insufficient to determine the role of this variant in disease. Therefore, it has been classified as a Variant of Uncertain Significance.

NM_015272.5(RPGRIP1L):c.3889G>A (p.Glu1297Lys)

Gene: RPGRIP1L (RPGRIP1 like; minus strand). Cytogenetic location: 16q12.2.
Variant type: single nucleotide variant.
Coding change: c.3889G>A on transcript NM_015272.5 (MANE Select); coding-DNA position 3889, G replaced by A.
Protein change: p.Glu1297Lys; replaces glutamic acid 1297 with lysine.
Molecular consequence: missense variant.
Genome position (GRCh38, 1-based): chr16:53,602,135, C>T on the plus strand (G>A on the coding strand, the complement: RPGRIP1L is on the minus strand). VCF-style: chr16-53602135-C-T. GRCh37 (hg19) VCF-style: chr16-53636047-C-T.
Other names: c.3889G>A (NM_015272.2, NM_015272.4); c.3649G>A, p.Glu1217Lys (NM_001127897.4); c.3751G>A, p.Glu1251Lys (NM_001308334.3); c.3787G>A, p.Glu1263Lys (NM_001330538.2); short protein forms E1263K, E1251K, E1297K, E1217K.
Identifiers: ClinVar variation 2049621 (VCV002049621.5), dbSNP rs777088047, ClinGen allele CA8057126.